The following is an entry in ClinVar:

NM_021930.6(RINT1):c.152A>T (p.Asp51Val)

Gene: RINT1 (RAD50 interactor 1; plus strand). Cytogenetic location: 7q22.3.
Variant type: single nucleotide variant.
Coding change: c.152A>T on transcript NM_021930.6 (MANE Select); coding-DNA position 152, A replaced by T.
Protein change: p.Asp51Val; replaces aspartic acid 51 with valine.
Molecular consequence: missense variant. On other transcripts: 5 prime UTR variant (3), non-coding transcript variant (1), intron variant (1).
Genome position (GRCh38, 1-based): chr7:105,536,628, A>T. VCF-style: chr7-105536628-A-T. GRCh37 (hg19) VCF-style: chr7-105177075-A-T.
Other names: c.-868A>T (NM_001346600.2); c.-771A>T (NM_001346601.2); c.-391A>T (NM_001346603.2); c.39+16A>T (NM_001346599.2); short protein forms D51V.
Identifiers: ClinVar variation 3227606 (VCV003227606.1), dbSNP rs748983493, ClinGen allele CA368800181.
Genomic context (GRCh38, chr7:105,536,628, plus strand): 5'-ACATAAATGTTACAGTTCTTATTGGAAGTAAACAAGTCAGTGAAGGTACAGATAATGGTG[A>T]TCTCCCTTCTTATGTGTCTGCATTCATAGAAAAGGAAGTTGGAAATGACCTTAAATCTTT-3'
Protein context (NP_068749.3, residues 41-61): KQVSEGTDNG[Asp51Val]LPSYVSAFIE

ClinVar aggregate classification (germline): Uncertain significance (1 of 4 stars; one submission).

Allele frequency attached by ClinVar (database versions not stated): TOPMed below 0.00001; gnomAD 0.00001.
gnomAD v4.1: 1 of 1,611,888 alleles (0.000062%); highest among the groups gnomAD compares: Non-Finnish European, 0.000085%; no homozygotes.

Submission:

Ambry Genetics
Classification: Uncertain significance. Last evaluated: 2024-02-28. Review status: criteria provided, single submitter. Criteria: Ambry Variant Classification Scheme 2023. Collection method: clinical testing. Allele origin: germline.
Comment: The p.D51V variant (also known as c.152A>T), located in coding exon 3 of the RINT1 gene, results from an A to T substitution at nucleotide position 152. The aspartic acid at codon 51 is replaced by valine, an amino acid with highly dissimilar properties. This amino acid position is conserved. In addition, this alteration is predicted to be tolerated by in silico analysis. Based on the available evidence, the clinical significance of this alteration remains unclear.